The following is an entry in ClinVar:

NM_000110.4(DPYD):c.85T>C (p.Cys29Arg)

Gene: DPYD (dihydropyrimidine dehydrogenase; minus strand). Cytogenetic location: 1p21.3.
Variant type: single nucleotide variant.
Coding change: c.85T>C on transcript NM_000110.4 (MANE Select); coding-DNA position 85, T replaced by C.
Protein change: p.Cys29Arg; replaces cysteine 29 with arginine.
Molecular consequence: missense variant.
Genome position (GRCh38, 1-based): chr1:97,883,329, A>G on the plus strand (T>C on the coding strand, the complement: DPYD is on the minus strand). VCF-style: chr1-97883329-A-G. GRCh37 (hg19) VCF-style: chr1-98348885-G-G.
Other names: c.85T>C, p.Cys29Arg (NM_001160301.1); short protein forms C29R.
Identifiers: ClinVar variation 435 (VCV000000435.10), dbSNP rs1801265, ClinGen allele CA114278.

ClinVar aggregate classification (germline): drug response. Review status: reviewed by expert panel (3 of 4 stars). 6 submissions from 5 submitters: drug response (2). 4 of the submissions do not count toward it. Last evaluated 2021-03-24.

Conditions:
capecitabine response - Toxicity.
fluorouracil response - Toxicity.
Dihydropyrimidine dehydrogenase deficiency (DPYDD). Also called: DPD DEFICIENCY; DPYD DEFICIENCY; Hereditary Thymine-Uraciluria. Identifiers: Orphanet 1675, MedGen C1959620, MONDO:0010130, OMIM 274270.

Allele frequency attached by ClinVar (database versions not stated): TOPMed 0.27344; gnomAD 0.27416 and 0.27966; 1000 Genomes Project 30x 0.26468; gnomAD exomes 0.22125.
gnomAD v4.1: 364,834 of 1,612,580 alleles (23%); highest among the groups gnomAD compares: African/African-American, 41%; 44,075 homozygotes.

Submissions (6):

ClinPGx
Classification: drug response for capecitabine response - Toxicity. Last evaluated: 2021-03-24. Review status: reviewed by expert panel. Criteria: Pharmacogenomics knowledge for personalized medicine. Collection method: curation. Allele origin: germline. Affected: yes.
Comment: PharmGKB Level of Evidence 1A: Level 1A clinical annotations describe variant-drug combinations that have variant-specific prescribing guidance available in a current clinical guideline annotation or an FDA-approved drug label annotation. Annotations of drug labels or clinical guidelines must give prescribing guidance for specific variants (e.g. CYP2C9*3, HLA-B*57:01) or provide mapping from defined allele functions to diplotypes and phenotypes to be used as supporting evidence for a level 1A clinical annotation. Level 1A clinical annotations must also be supported by at least one publication in addition to a clinical guideline or drug label with variant-specific prescribing guidance.

Drug is not necessarily used to treat response condition

ClinPGx
Classification: drug response for fluorouracil response - Toxicity. Last evaluated: 2021-03-24. Review status: reviewed by expert panel. Criteria: Pharmacogenomics knowledge for personalized medicine. Collection method: curation. Allele origin: germline. Affected: yes.
Comment: the same text as in the submission from ClinPGx above.

Labcorp Genetics (formerly Invitae), Labcorp
Classification: Benign. Last evaluated: 2024-08-30. Review status: criteria provided, single submitter. Criteria: Invitae Variant Classification Sherloc (09022015). Collection method: clinical testing. Allele origin: germline. Not counted in ClinVar's aggregate classification.

Mendelics
Classification: Benign. Last evaluated: 2022-05-04. Review status: criteria provided, single submitter. Criteria: Mendelics Assertion Criteria 2019. Collection method: clinical testing. Allele origin: germline. Not counted in ClinVar's aggregate classification.

Athena Diagnostics
Classification: Benign. Last evaluated: 2017-11-20. Review status: criteria provided, single submitter. Criteria: Athena Diagnostics Criteria. Collection method: clinical testing. Allele origin: germline. Not counted in ClinVar's aggregate classification.

OMIM
Classification: Pathogenic for DIHYDROPYRIMIDINE DEHYDROGENASE DEFICIENCY. Last evaluated: 1997-12-01. Review status: no assertion criteria provided. Collection method: literature only. Allele origin: germline. Not counted in ClinVar's aggregate classification.

Literature cited by the submitters: PubMed 19530960 (cited by ClinPGx); PubMed 20819423 (cited by ClinPGx); PubMed 21498394 (cited by ClinPGx); PubMed 24590654 (cited by ClinPGx); PubMed 24647007 (cited by ClinPGx); PubMed 24923815 (cited by ClinPGx); PubMed 25677447 (cited by ClinPGx); PubMed 28481884 (cited by ClinPGx); PubMed 29065426 (cited by ClinPGx); PubMed 29998006 (cited by ClinPGx); PubMed 30114658 (cited by ClinPGx); PubMed 11156223 (cited by ClinPGx); PubMed 14635116 (cited by ClinPGx); PubMed 17121937 (cited by ClinPGx); PubMed 17848752 (cited by ClinPGx); PubMed 18299612 (cited by ClinPGx); PubMed 19473056 (cited by ClinPGx); PubMed 23481061 (cited by ClinPGx); PubMed 24434920 (cited by ClinPGx); PubMed 26794347 (cited by ClinPGx); PubMed 26846104 (cited by ClinPGx); PubMed 27752409 (cited by ClinPGx); PubMed 9266349 (cited by OMIM); PubMed 9439663 (cited by OMIM).